The following is an entry in ClinVar:

ClinVar aggregate classification (germline): Uncertain significance. Review status: criteria provided, multiple submitters, no conflicts (2 of 4 stars). 2 submissions from 2 submitters: Uncertain significance (2). Last evaluated 2022-02-28.

Allele frequency attached by ClinVar (database versions not stated): gnomAD exomes below 0.00001; ExAC 0.00001; gnomAD 0.00003; TOPMed 0.00003.
gnomAD v4.1: 8 of 1,613,688 alleles (0.0005%); highest among the groups gnomAD compares: African/African-American, 0.0094%; no homozygotes.

Submissions (2):

Labcorp Genetics (formerly Invitae), Labcorp
Classification: Uncertain significance. Last evaluated: 2022-02-28. Review status: criteria provided, single submitter. Criteria: Invitae Variant Classification Sherloc (09022015). Collection method: clinical testing. Allele origin: germline.
Comment: This sequence change replaces asparagine, which is neutral and polar, with serine, which is neutral and polar, at codon 85 of the CNGB3 protein (p.Asn85Ser). This variant is present in population databases (rs776768303, gnomAD 0.01%). This variant has not been reported in the literature in individuals affected with CNGB3-related conditions. Advanced modeling of protein sequence and biophysical properties (such as structural, functional, and spatial information, amino acid conservation, physicochemical variation, residue mobility, and thermodynamic stability) performed at Invitae indicates that this missense variant is not expected to disrupt CNGB3 protein function. In summary, the available evidence is currently insufficient to determine the role of this variant in disease. Therefore, it has been classified as a Variant of Uncertain Significance.

Blueprint Genetics
Classification: Uncertain significance. Last evaluated: 2019-10-04. Review status: criteria provided, single submitter. Criteria: ACMG Guidelines, 2015. Collection method: clinical testing. Allele origin: germline.

NM_019098.5(CNGB3):c.254A>G (p.Asn85Ser)

Gene: CNGB3 (cyclic nucleotide gated channel subunit beta 3; minus strand). Cytogenetic location: 8q21.3.
Variant type: single nucleotide variant.
Coding change: c.254A>G on transcript NM_019098.5 (MANE Select); coding-DNA position 254, A replaced by G.
Protein change: p.Asn85Ser; replaces asparagine 85 with serine.
Molecular consequence: missense variant.
Genome position (GRCh38, 1-based): chr8:86,726,615, T>C on the plus strand (A>G on the coding strand, the complement: CNGB3 is on the minus strand). VCF-style: chr8-86726615-T-C. GRCh37 (hg19) VCF-style: chr8-87738843-T-C.
Other names: short protein forms N85S.
Identifiers: ClinVar variation 1943581 (VCV001943581.3), dbSNP rs776768303, ClinGen allele CA4800451.